The following is an entry in ClinVar:

NM_152383.5(DIS3L2):c.2140C>A (p.Leu714Ile)

Gene: DIS3L2 (DIS3 like 3'-5' exoribonuclease 2; plus strand). Cytogenetic location: 2q37.1.
Variant type: single nucleotide variant.
Coding change: c.2140C>A on transcript NM_152383.5 (MANE Select); coding-DNA position 2140, C replaced by A.
Protein change: p.Leu714Ile; replaces leucine 714 with isoleucine.
Molecular consequence: missense variant. On other transcripts: non-coding transcript variant (2), intron variant (1).
Genome position (GRCh38, 1-based): chr2:232,333,969, C>A. VCF-style: chr2-232333969-C-A. GRCh37 (hg19) VCF-style: chr2-233198679-C-A.
Other names: c.1582-9376C>A (NM_001257281.2); short protein forms L714I.
Identifiers: ClinVar variation 2292178 (VCV002292178.6), dbSNP rs749697162, ClinGen allele CA2164403.
Genomic context (GRCh38, chr2:232,333,969, plus strand): 5'-CCCCTGTACACACACTTCACCTCGCCCATCCGCCGCTTTGCCGACGTCCTGGTGCACCGC[C>A]TCCTGGCTGCCGCGTTAGGTGAGGGGTGCAGTCGGGGTCAGGGCAGACCTGGGCCAGCTC-3'
Protein context (NP_689596.4, residues 704-724): RRFADVLVHR[Leu714Ile]LAAALGYRER

ClinVar aggregate classification (germline): Uncertain significance. Review status: criteria provided, multiple submitters, no conflicts (2 of 4 stars). 2 submissions from 2 submitters: Uncertain significance (2). Last evaluated 2025-08-06.

Conditions:
Perlman syndrome (PRLMNS). Identifiers: Orphanet 2849, MedGen C0796113, MONDO:0009965, OMIM 267000.
Inborn genetic diseases. Identifiers: MedGen C0950123, MeSH D030342.

Allele frequency attached by ClinVar (database versions not stated): ExAC 0.00001; gnomAD 0.00001.
gnomAD v4.1: 3 of 1,611,876 alleles (0.00019%); highest among the groups gnomAD compares: South Asian, 0.0033%; no homozygotes.

Submissions (2):

Ambry Genetics
Classification: Uncertain significance for Inborn genetic diseases. Last evaluated: 2025-08-06. Review status: criteria provided, single submitter. Criteria: Ambry Variant Classification Scheme 2023. Collection method: clinical testing. Allele origin: germline.

Labcorp Genetics (formerly Invitae), Labcorp
Classification: Uncertain significance for Perlman syndrome. Last evaluated: 2024-01-30. Review status: criteria provided, single submitter. Criteria: Invitae Variant Classification Sherloc (09022015). Collection method: clinical testing. Allele origin: germline.
Comment: This sequence change replaces leucine, which is neutral and non-polar, with isoleucine, which is neutral and non-polar, at codon 714 of the DIS3L2 protein (p.Leu714Ile). This variant is present in population databases (rs749697162, gnomAD 0.003%). This variant has not been reported in the literature in individuals affected with DIS3L2-related conditions. ClinVar contains an entry for this variant (Variation ID: 2292178). Advanced modeling of protein sequence and biophysical properties (such as structural, functional, and spatial information, amino acid conservation, physicochemical variation, residue mobility, and thermodynamic stability) performed at Invitae indicates that this missense variant is not expected to disrupt DIS3L2 protein function with a negative predictive value of 80%. In summary, the available evidence is currently insufficient to determine the role of this variant in disease. Therefore, it has been classified as a Variant of Uncertain Significance.